The following is an entry in ClinVar:

ClinVar aggregate classification (germline): Pathogenic/Likely pathogenic. Review status: criteria provided, multiple submitters, no conflicts (2 of 4 stars). 4 submissions from 4 submitters: Pathogenic (2); Likely pathogenic (2). Last evaluated 2025-11-12.

Conditions:
Propionic acidemia (PROP). Also called: GLYCINEMIA, KETOTIC; HYPERGLYCINEMIA WITH KETOACIDOSIS AND LEUKOPENIA; KETOTIC HYPERGLYCINEMIA. Identifiers: Orphanet 35, MedGen C0268579, MONDO:0011628, OMIM 606054, HP:0003571.

Allele frequency attached by ClinVar (database versions not stated): gnomAD exomes below 0.00001.
gnomAD v4.1: 4 of 1,594,762 alleles (0.00025%); highest among the groups gnomAD compares: East Asian, 0.0067%; no homozygotes.

Submissions (4):

Labcorp Genetics (formerly Invitae), Labcorp
Classification: Pathogenic for Propionic acidemia. Last evaluated: 2025-11-12. Review status: criteria provided, single submitter. Criteria: Invitae Variant Classification Sherloc (09022015). Collection method: clinical testing. Allele origin: germline.
Comment: This sequence change affects an acceptor splice site in intron 6 of the PCCB gene. It is expected to disrupt RNA splicing. Variants that disrupt the donor or acceptor splice site typically lead to a loss of protein function (PMID: 16199547), and loss-of-function variants in PCCB are known to be pathogenic (PMID: 15464417). This variant is not present in population databases (gnomAD no frequency). Disruption of this splice site has been observed in individual(s) with propionic acidemia (Yunin et al. 2020. Annual Symposium of the Society for the Study of Inborn Errors of Metabolism. Poster presentation). ClinVar contains an entry for this variant (Variation ID: 203881). Studies have shown that disruption of this splice site alters mRNA splicing and is expected to lead to the loss of protein expression (PMID: 33923806). For these reasons, this variant has been classified as Pathogenic.

Baylor Genetics
Classification: Likely pathogenic for Propionic acidemia. Last evaluated: 2022-12-20. Review status: criteria provided, single submitter. Criteria: ACMG Guidelines, 2015. Collection method: clinical testing. Allele origin: unknown.

Revvity Omics, Revvity
Classification: Likely pathogenic for Propionic acidemia. Last evaluated: 2021-09-09. Review status: criteria provided, single submitter. Criteria: ACMG Guidelines, 2015. Collection method: clinical testing. Allele origin: germline.

Laboratory of Inherited Metabolic Diseases, Research centre for medical genetics
Classification: Pathogenic for Propionic acidemia. Last evaluated: 2021-02-17. Review status: criteria provided, single submitter. Criteria: ACMG Guidelines, 2015. Collection method: research, in vitro. Allele origin: germline, not applicable. Affected: yes.
Comment: PVS1, PM2, PM3_supportive, PP4

Literature cited by the submitters: PubMed 16199547 (cited by Labcorp Genetics (formerly Invitae), Labcorp); PubMed 15464417 (cited by Labcorp Genetics (formerly Invitae), Labcorp); PubMed 33923806 (cited by Labcorp Genetics (formerly Invitae), Labcorp).

NM_000532.5(PCCB):c.655-2A>G

Gene: PCCB (propionyl-CoA carboxylase subunit beta; plus strand). Cytogenetic location: 3q22.3.
Variant type: single nucleotide variant.
Coding change: c.655-2A>G on transcript NM_000532.5 (MANE Select); the canonical splice acceptor site of the intron before coding-DNA position 655, A replaced by G.
Molecular consequence: splice acceptor variant.
Genome position (GRCh38, 1-based): chr3:136,293,754, A>G. VCF-style: chr3-136293754-A-G. GRCh37 (hg19) VCF-style: chr3-136012596-A-G.
Other names: c.715-2A>G (NM_001178014.2).
Identifiers: ClinVar variation 203881 (VCV000203881.15), dbSNP rs1553778865, ClinGen allele CA312821.